The following is an entry in ClinVar:

NM_000059.4(BRCA2):c.7626G>A (p.Thr2542=)

Gene: BRCA2 (BRCA2 DNA repair associated; plus strand). Cytogenetic location: 13q13.1.
Variant type: single nucleotide variant.
Coding change: c.7626G>A on transcript NM_000059.4 (MANE Select); coding-DNA position 7626, G replaced by A.
Protein change: p.Thr2542=; no amino-acid change (threonine 2542 retained).
Molecular consequence: synonymous variant.
Genome position (GRCh38, 1-based): chr13:32,357,750, G>A. VCF-style: chr13-32357750-G-A. GRCh37 (hg19) VCF-style: chr13-32931887-G-A.
Other names: 7854G>A; p.T2542T:ACG>ACA; 7854 G>A; NP_000050.3:p.Thr2542=.
Identifiers: ClinVar variation 52372 (VCV000052372.75), dbSNP rs61754138, ClinGen allele CA025197.

ClinVar aggregate classification (germline): Benign. Review status: reviewed by expert panel (3 of 4 stars). 26 submissions from 26 submitters: Benign (1). 25 of the submissions do not count toward it. Last evaluated 2015-01-12.

Conditions:
Hereditary cancer-predisposing syndrome. Also called: Hereditary Cancer Syndrome; Tumor predisposition; Neoplastic Syndromes, Hereditary; Hereditary neoplastic syndrome. Identifiers: Orphanet 140162, MedGen C0027672, MeSH D009386, MONDO:0015356.
Breast and/or ovarian cancer. Identifiers: MedGen CN221562.
Hereditary breast ovarian cancer syndrome. Also called: Breast and ovarian cancer; BRCA1- and BRCA2-Associated Hereditary Breast and Ovarian Cancer; Hereditary breast and ovarian cancer; Hereditary breast and ovarian cancer syndrome (HBOC); Hereditary breast and ovarian cancer syndrome; Hereditary breast and/or ovarian cancer syndrome. Identifiers: Orphanet 145, MedGen C0677776, MeSH D061325, MONDO:0003582. Disease mechanism: loss of function.
Breast-ovarian cancer, familial, susceptibility to, 2 (BROVCA2). Also called: BRCA2 Hereditary Breast and Ovarian Cancer. Identifiers: Orphanet 145, MedGen C2675520, MONDO:0012933, OMIM 612555. Disease mechanism: loss of function.
Familial cancer of breast. Also called: BREAST CANCER, FAMILIAL; hereditary breast carcinoma; Hereditary breast cancer. Identifiers: Orphanet 227535, MedGen C0346153, MONDO:0016419, OMIM 114480. Disease mechanism: loss of function.

Allele frequency attached by ClinVar (database versions not stated): gnomAD 0.00215 and 0.00228; TOPMed 0.00246; 1000 Genomes Project 0.00419; 1000 Genomes Project 30x 0.00422; ExAC 0.00073; ESP Exome Variant Server 0.00208.
gnomAD v4.1: 700 of 1,611,658 alleles (0.043%); highest among the groups gnomAD compares: African/African-American, 0.77%; 4 homozygotes.

Submissions (26):

Evidence-based Network for the Interpretation of Germline Mutant Alleles (ENIGMA)
Classification: Benign for Breast-ovarian cancer, familial 2. Last evaluated: 2015-01-12. Review status: reviewed by expert panel. Criteria: ENIGMA BRCA1/2 Classification Criteria (2015). Collection method: curation. Allele origin: germline.
Comment: Class 1 not pathogenic based on frequency >1% in an outbred sampleset. Frequency 0.02033 (African), derived from 1000 genomes (2012-04-30).

Labcorp Genetics (formerly Invitae), Labcorp
Classification: Benign for Hereditary breast ovarian cancer syndrome. Last evaluated: 2026-02-03. Review status: criteria provided, single submitter. Criteria: Invitae Variant Classification Sherloc (09022015). Collection method: clinical testing. Allele origin: germline. Not counted in ClinVar's aggregate classification.

ARUP Laboratories, Molecular Genetics and Genomics, ARUP Laboratories
Classification: Benign. Last evaluated: 2025-05-20. Review status: criteria provided, single submitter. Criteria: ARUP Molecular Germline Variant Investigation Process 2024. Collection method: clinical testing. Allele origin: germline. Not counted in ClinVar's aggregate classification.

KCCC/NGS Laboratory, Kuwait Cancer Control Center
Classification: Benign for Familial cancer of breast. Last evaluated: 2025-02-01. Review status: criteria provided, single submitter. Criteria: ACMG Guidelines, 2015. Collection method: clinical testing. Allele origin: germline. Affected: no. Not counted in ClinVar's aggregate classification.

Blueprint Genetics
Classification: Likely benign. Last evaluated: 2024-11-13. Review status: criteria provided, single submitter. Criteria: ACMG Guidelines, 2015. Collection method: clinical testing. Allele origin: germline. Not counted in ClinVar's aggregate classification.

CeGaT Center for Human Genetics Tuebingen
Classification: Likely benign. Last evaluated: 2024-08-01. Review status: criteria provided, single submitter. Criteria: CeGaT Center For Human Genetics Tuebingen Variant Classification Criteria Version 2. Collection method: clinical testing. Allele origin: germline. Affected: yes. Observed: 1 variant allele. Not counted in ClinVar's aggregate classification.
Comment: BRCA2: BP4, BS1

CHEO Genetics Diagnostic Laboratory, Children's Hospital of Eastern Ontario
Classification: Likely benign for Breast and/or ovarian cancer. Last evaluated: 2022-12-21. Review status: criteria provided, single submitter. Criteria: ACMG Guidelines, 2015. Collection method: clinical testing. Allele origin: germline. Not counted in ClinVar's aggregate classification.

Mayo Clinic Laboratories, Mayo Clinic
Classification: Benign. Last evaluated: 2022-08-05. Review status: criteria provided, single submitter. Criteria: ACMG Guidelines, 2015. Collection method: clinical testing. Allele origin: germline. Observed: 8 variant alleles. Not counted in ClinVar's aggregate classification.
Comment: BS1, BS3, BP4, BP6, BP7

National Health Laboratory Service, Universitas Academic Hospital and University of the Free State
Classification: Likely benign for Hereditary breast ovarian cancer syndrome. Last evaluated: 2022-04-19. Review status: criteria provided, single submitter. Criteria: ACMG Guidelines, 2015. Collection method: clinical testing. Allele origin: germline. Affected: yes. Observed: 10 variant alleles. Not counted in ClinVar's aggregate classification.

Sema4
Classification: Benign for Hereditary cancer-predisposing syndrome. Last evaluated: 2020-10-22. Review status: criteria provided, single submitter. Criteria: Sema4 Curation Guidelines. Collection method: curation. Allele origin: germline. Not counted in ClinVar's aggregate classification.

Genetic Services Laboratory, University of Chicago
Classification: Benign. Last evaluated: 2020-04-27. Review status: criteria provided, single submitter. Criteria: ACMG Guidelines, 2015. Collection method: clinical testing. Allele origin: germline. Affected: no. Not counted in ClinVar's aggregate classification.

PreventionGenetics, part of Exact Sciences
Classification: Benign. Last evaluated: 2017-08-11. Review status: criteria provided, single submitter. Criteria: ACMG Guidelines, 2015. Collection method: clinical testing. Allele origin: germline. Not counted in ClinVar's aggregate classification.

Baylor Genetics
Classification: Benign for Familial cancer of breast. Last evaluated: 2017-02-23. Review status: criteria provided, single submitter. Criteria: ACMG Guidelines, 2015. Collection method: clinical testing. Allele origin: germline. Inheritance: Autosomal dominant inheritance. Affected: no. Not counted in ClinVar's aggregate classification.

Institute for Biomarker Research, Medical Diagnostic Laboratories, L.L.C.
Classification: Likely benign for Hereditary breast and ovarian cancer syndrome(HBOC). Last evaluated: 2017-02-14. Review status: criteria provided, single submitter. Criteria: ACMG Guidelines, 2015. Collection method: clinical testing. Allele origin: germline. Not counted in ClinVar's aggregate classification.

Ambry Genetics
Classification: Benign for Hereditary cancer-predisposing syndrome. Last evaluated: 2015-11-17. Review status: criteria provided, single submitter. Criteria: Ambry Variant Classification Scheme 2023. Collection method: clinical testing. Allele origin: germline. Not counted in ClinVar's aggregate classification.

Color Diagnostics, LLC DBA Color Health
Classification: Benign for Hereditary cancer-predisposing syndrome. Last evaluated: 2015-04-02. Review status: criteria provided, single submitter. Criteria: ACMG Guidelines, 2015. Collection method: clinical testing. Allele origin: germline. Not counted in ClinVar's aggregate classification.

Eurofins Ntd Llc (ga)
Classification: Benign. Last evaluated: 2014-09-30. Review status: criteria provided, single submitter. Criteria: EGL Classification Definitions 2015. Collection method: clinical testing. Allele origin: germline. Observed: 1 variant allele, 1 heterozygote. Not counted in ClinVar's aggregate classification.

Women's Health and Genetics/Laboratory Corporation of America, LabCorp
Classification: Benign for Hereditary breast ovarian cancer syndrome. Last evaluated: 2014-01-22. Review status: criteria provided, single submitter. Criteria: LabCorp Variant Classification Summary - May 2015. Collection method: clinical testing. Allele origin: germline. Not counted in ClinVar's aggregate classification.

GeneDx
Classification: Benign. Last evaluated: 2013-10-24. Review status: criteria provided, single submitter. Criteria: GeneDx Variant Classification (06012015). Collection method: clinical testing. Allele origin: germline. Affected: yes. Not counted in ClinVar's aggregate classification.
Comment: This variant is considered likely benign or benign based on one or more of the following criteria: it is a conservative change, it occurs at a poorly conserved position in the protein, it is predicted to be benign by multiple in silico algorithms, and/or has population frequency not consistent with disease.

Counsyl
Classification: Likely benign for Breast-ovarian cancer, familial 2. Last evaluated: 2014-01-02. Review status: no assertion criteria provided. Collection method: literature only. Allele origin: unknown. Inheritance: Autosomal dominant inheritance. Not counted in ClinVar's aggregate classification.

Breast Cancer Information Core (BIC) (BRCA2)
Classification: Uncertain significance for Breast-ovarian cancer, familial 2. Last evaluated: 2010-12-17. Review status: no assertion criteria provided. Collection method: clinical testing. Allele origin: germline. Affected: yes. Observed: 1 variant allele. Not counted in ClinVar's aggregate classification.

Clinical Genetics DNA and cytogenetics Diagnostics Lab, Erasmus MC, Erasmus Medical Center
Classification: Benign. Review status: no assertion criteria provided. Collection method: clinical testing. Allele origin: germline. Affected: yes. Study: VKGL Data-share Consensus. Not counted in ClinVar's aggregate classification.

Clinical Genetics Laboratory, Department of Pathology, Netherlands Cancer Institute
Classification: Benign. Review status: no assertion criteria provided. Collection method: clinical testing. Allele origin: germline. Affected: yes. Study: VKGL Data-share Consensus. Not counted in ClinVar's aggregate classification.

Department of Pathology and Laboratory Medicine, Sinai Health System
Classification: Benign. Review status: no assertion criteria provided. Collection method: clinical testing. Allele origin: unknown. Affected: yes. Study: The Canadian Open Genetics Repository (COGR). Not counted in ClinVar's aggregate classification.
Comment: The BRCA2 p.Thr2542Thr variant was identified in 4 of 4500 proband chromosomes (frequency: 0.001) from individuals with breast and ovarian cancer (Borg 2010, Morgan 2010, Salazar 2006); however, control chromosomes were not evaluated in these studies, thus the prevalence of this variant in the general population could not be determined. Myriad classified the variant as a polymorphism (personal communication).The variant was also identified in dbSNP (ID: rs61754138) â€šÃ„ÃºWith Likely Benign alleleâ€šÃ„Ã¹, with a minor allele frequency of 0.0042(21 of 5000 chromosomes in 1000 Genomes Project). In NHLBI Exome Sequencing Project (Exome Variant Server), the variant was found in 27 of 4406 African American chromosomes and was not found in European American chromosomes, increasing the likelihood that this may be a low frequency benign variant in certain populations of origin. This variant was identified in the Exome Aggregation Consortium (ExAC) database, released Oct 20th, 2014) in 88 of 120570 chromosomes (frequency: 0.0007299) (or 76 of 10004 African individuals, 8 of 11522 of Latino, 4 of 66482of European (Finnish) chromosomes). The p.Thr2542Thr variant was identified in the ClinVar database (classified as a benign variant by ENIGMA, by Invitae, by GeneDx, Emory Genetics and as a likely benign by Counsyl and Ambry Genetics; as uncertain significance by BIC. In Clinvitae the variant was also identified by EmyClass as benign. BRCA share UMD database identified the variant as likely neutral 16X and co-occurred with BRCA2 pathogenic variants (c.8414_8416delinsC and c.IVS15-2A>T (c.7618-2A>T)) and BRCA1 pathogenic variants (c.211A>G (p.Arg71Gly) and c.IVS16+6T>C (c.4986+6T>C)), increasing the likelihood that the p.Thr2542Thr variant does not have clinical significance. The variant was identified in BIC database 2X with no clinical importance. The p.Thr2542Thr variant is not expected to have clinical significance because it does not result in a change of amino acid and is not located in a known consensus splice site. In addition, in silico or computational prediction software programs (SpliceSiteFinder, MaxEntScan, NNSPLICE, GeneSplicer, HumanSpliceFinder) do not predict a difference in splicing. In summary, based on the above information, this variant meets our laboratory's criteria to be classified as benign.

Genome Diagnostics Laboratory, University Medical Center Utrecht
Classification: Benign. Review status: no assertion criteria provided. Collection method: clinical testing. Allele origin: germline. Affected: yes. Study: VKGL Data-share Consensus. Not counted in ClinVar's aggregate classification.

Laboratory of Diagnostic Genome Analysis, Leiden University Medical Center (LUMC)
Classification: Likely benign. Review status: no assertion criteria provided. Collection method: clinical testing. Allele origin: germline. Affected: yes. Study: VKGL Data-share Consensus. Not counted in ClinVar's aggregate classification.

Literature cited by the submitters: DOI 10.3389/fgene.2022.834265 (cited by National Health Laboratory Service, Universitas Academic Hospital and University of the Free State); PubMed 20104584 (cited by Women's Health and Genetics/Laboratory Corporation of America, LabCorp and Counsyl); PubMed 24123850 (cited by Women's Health and Genetics/Laboratory Corporation of America, LabCorp); PubMed 15876480 (cited by Women's Health and Genetics/Laboratory Corporation of America, LabCorp and Counsyl); PubMed 20127978 (cited by Counsyl).